The following is an entry in ClinVar:

NM_198076.6(COX20):c.105G>T (p.Leu35Phe)

Gene: COX20 (cytochrome c oxidase assembly factor COX20; plus strand). Cytogenetic location: 1q44.
Variant type: single nucleotide variant.
Coding change: c.105G>T on transcript NM_198076.6 (MANE Select); coding-DNA position 105, G replaced by T.
Protein change: p.Leu35Phe; replaces leucine 35 with phenylalanine.
Molecular consequence: missense variant. On other transcripts: non-coding transcript variant (1), intron variant (1).
Genome position (GRCh38, 1-based): chr1:244,842,006, G>T. VCF-style: chr1-244842006-G-T. GRCh37 (hg19) VCF-style: chr1-245005308-G-T.
Other names: c.105G>T, p.Leu35Phe (NM_001312871.1, NM_001312874.1); c.141G>T, p.Leu47Phe (NM_001312872.1); c.23-189G>T (NM_001312873.1); short protein forms L47F, L35F.
Identifiers: ClinVar variation 2116117 (VCV002116117.4), dbSNP rs2527468442, ClinGen allele CA345676303.
Genomic context (GRCh38, chr1:244,842,006, plus strand): 5'-CCTTAAGCTCCTAGGATTTTTAGATGTTGAAAATACTCCCTGCGCCCGGCATTCAATATT[G>T]TATGGTTCATTAGGATCTGTTGTGGCTGGCTTTGGACATTTTTTGTTCACTAGTGAGTAT-3'
Protein context (NP_932342.1, residues 25-45): ENTPCARHSI[Leu35Phe]YGSLGSVVAG

ClinVar aggregate classification (germline): Uncertain significance (1 of 4 stars; one submission).

Allele frequency attached by ClinVar (database versions not stated): gnomAD exomes below 0.00001.
gnomAD v4.1: 1 of 1,612,204 alleles (0.000062%); highest among the groups gnomAD compares: East Asian, 0.0022%; no homozygotes.

Submission:

Labcorp Genetics (formerly Invitae), Labcorp
Classification: Uncertain significance. Last evaluated: 2022-03-23. Review status: criteria provided, single submitter. Criteria: Invitae Variant Classification Sherloc (09022015). Collection method: clinical testing. Allele origin: germline.
Comment: Algorithms developed to predict the effect of missense changes on protein structure and function are either unavailable or do not agree on the potential impact of this missense change (SIFT: "Deleterious"; PolyPhen-2: "Probably Damaging"; Align-GVGD: "Class C15"). In summary, the available evidence is currently insufficient to determine the role of this variant in disease. Therefore, it has been classified as a Variant of Uncertain Significance. This variant has not been reported in the literature in individuals affected with COX20-related conditions. This variant is not present in population databases (gnomAD no frequency). This sequence change replaces leucine, which is neutral and non-polar, with phenylalanine, which is neutral and non-polar, at codon 35 of the COX20 protein (p.Leu35Phe).